The following is an entry in ClinVar:

NM_001987.5(ETV6):c.587C>T (p.Pro196Leu)

Gene: ETV6 (ETS variant transcription factor 6; plus strand). Cytogenetic location: 12p13.2.
Variant type: single nucleotide variant.
Coding change: c.587C>T on transcript NM_001987.5 (MANE Select); coding-DNA position 587, C replaced by T.
Protein change: p.Pro196Leu; replaces proline 196 with leucine.
Molecular consequence: missense variant.
Genome position (GRCh38, 1-based): chr12:11,869,547, C>T. VCF-style: chr12-11869547-C-T. GRCh37 (hg19) VCF-style: chr12-12022481-C-T.
Other names: c.584C>T, p.Pro195Leu (NM_001413913.1); c.560C>T, p.Pro187Leu (NM_001413914.1); c.323C>T, p.Pro108Leu (NM_001413915.1); c.587C>T, p.Pro196Leu (NM_001413916.1, NM_001413917.1); short protein forms P108L, P187L, P195L, P196L.
Identifiers: ClinVar variation 3369503 (VCV003369503.2).

ClinVar aggregate classification (germline): Conflicting classifications of pathogenicity. Review status: criteria provided, conflicting classifications (1 of 4 stars). 2 submissions from 2 submitters: Uncertain significance (1); Likely benign (1). Last evaluated 2025-02-12.

Conditions:
Inborn genetic diseases. Identifiers: MedGen C0950123, MeSH D030342.

gnomAD v4.1: 7 of 1,614,070 alleles (0.00043%); highest among the groups gnomAD compares: African/African-American, 0.0093%; no homozygotes.

Submissions (2):

Ambry Genetics
Classification: Likely benign for Inborn genetic diseases. Last evaluated: 2025-02-12. Review status: criteria provided, single submitter. Criteria: Ambry Variant Classification Scheme 2023. Collection method: clinical testing. Allele origin: germline.

GeneDx
Classification: Uncertain significance. Last evaluated: 2024-02-21. Review status: criteria provided, single submitter. Criteria: GeneDx Variant Classification Process June 2021. Collection method: clinical testing. Allele origin: germline. Affected: yes.
Comment: Not observed at significant frequency in large population cohorts (gnomAD); In silico analysis supports that this missense variant does not alter protein structure/function; Has not been previously published as pathogenic or benign to our knowledge; This variant is associated with the following publications: (PMID: 28555414, 28637624)